The following is an entry in ClinVar:

ClinVar aggregate classification (germline): Uncertain significance. Review status: criteria provided, multiple submitters, no conflicts (2 of 4 stars). 6 submissions from 6 submitters: Uncertain significance (6). Last evaluated 2026-02-03.

Conditions:
Hereditary cancer-predisposing syndrome. Also called: Hereditary Cancer Syndrome; Hereditary neoplastic syndrome; Neoplastic Syndromes, Hereditary; Tumor predisposition. Identifiers: Orphanet 140162, MedGen C0027672, MeSH D009386, MONDO:0015356.
Colorectal cancer, susceptibility to, 12 (CRCS12). Also called: COLORECTAL CANCER, SUSCEPTIBILITY TO, ON CHROMOSOME 12q24. Identifiers: Orphanet 220460, MedGen C3554460, MONDO:0014038, OMIM 615083.

Allele frequency attached by ClinVar (database versions not stated): ExAC 0.00002; gnomAD exomes 0.00004; gnomAD 0.00005 and 0.00007; TOPMed 0.00008; 1000 Genomes Project 30x 0.00016; 1000 Genomes Project 0.00040.
gnomAD v4.1: 72 of 1,614,154 alleles (0.0045%); highest among the groups gnomAD compares: East Asian, 0.029%; no homozygotes.

Submissions (6):

Labcorp Genetics (formerly Invitae), Labcorp
Classification: Uncertain significance. Last evaluated: 2026-02-03. Review status: criteria provided, single submitter. Criteria: Invitae Variant Classification Sherloc (09022015). Collection method: clinical testing. Allele origin: germline.
Comment: This sequence change replaces arginine, which is basic and polar, with cysteine, which is neutral and slightly polar, at codon 579 of the POLE protein (p.Arg579Cys). This variant is present in population databases (rs116260568, gnomAD 0.007%). This missense change has been observed in individual(s) with thyroid cancer (PMID: 33821390). ClinVar contains an entry for this variant (Variation ID: 405728). Invitae Evidence Modeling of protein sequence and biophysical properties (such as structural, functional, and spatial information, amino acid conservation, physicochemical variation, residue mobility, and thermodynamic stability) indicates that this missense variant is not expected to disrupt POLE protein function with a negative predictive value of 80%. In summary, the available evidence is currently insufficient to determine the role of this variant in disease. Therefore, it has been classified as a Variant of Uncertain Significance.

Ambry Genetics
Classification: Uncertain significance for Hereditary cancer-predisposing syndrome. Last evaluated: 2024-10-17. Review status: criteria provided, single submitter. Criteria: Ambry Variant Classification Scheme 2023. Collection method: clinical testing. Allele origin: germline.
Comment: The p.R579C variant (also known as c.1735C>T), located in coding exon 16 of the POLE gene, results from a C to T substitution at nucleotide position 1735. The arginine at codon 579 is replaced by cysteine, an amino acid with highly dissimilar properties. This amino acid position is not well conserved in available vertebrate species. In addition, this alteration is predicted to be tolerated by in silico analysis. Based on the available evidence, the clinical significance of this variant remains unclear.

GeneDx
Classification: Uncertain significance. Last evaluated: 2024-07-05. Review status: criteria provided, single submitter. Criteria: GeneDx Variant Classification Process June 2021. Collection method: clinical testing. Allele origin: germline. Affected: yes.
Comment: In silico analysis supports that this missense variant has a deleterious effect on protein structure/function; Observed in an individual with papillary thyroid cancer (PMID: 33821390); This variant is associated with the following publications: (PMID: 29320758, 32169874, 20951805, 33821390)

Women's Health and Genetics/Laboratory Corporation of America, LabCorp
Classification: Uncertain significance. Last evaluated: 2022-05-12. Review status: criteria provided, single submitter. Criteria: LabCorp Variant Classification Summary - May 2015. Collection method: clinical testing. Allele origin: germline.
Comment: Variant summary: POLE c.1735C>T (p.Arg579Cys) results in a non-conservative amino acid change in the encoded protein sequence. Four of five in-silico tools predict a damaging effect of the variant on protein function. The variant allele was found at a frequency of 4e-05 in 251482 control chromosomes. c.1735C>T has not to our knowledge been reported in the literature in individuals affected with POLE-related cancer. To our knowledge, no experimental evidence demonstrating an impact on protein function has been reported. Four clinical diagnostic laboratories have submitted clinical-significance assessments for this variant to ClinVar after 2014 without evidence for independent evaluation. All laboratories classified the variant as uncertain significance. Based on the evidence outlined above, the variant was classified as VUS.

Sema4
Classification: Uncertain significance for Hereditary cancer-predisposing syndrome. Last evaluated: 2021-04-14. Review status: criteria provided, single submitter. Criteria: Sema4 Curation Guidelines. Collection method: curation. Allele origin: germline.
Comment: To the best of our knowledge, the POLE c.1735C>T (p.R579C) variant has not been reported in individuals with POLE-related disease. It was observed in 10/251482 chromosomes in the large and broad cohorts of the Genome Aggregation Database (PMID: 32461654). The variant has been reported in ClinVar (Variation ID: 405728). In silico tools suggest the impact of the variant on protein function is inconclusive, though these predictions have not been confirmed by functional studies. The evidence is insufficient to meet ACMG/AMP criteria for classifying the variant as benign or pathogenic. Thus, the clinical significance of this variant is currently uncertain.

Mendelics
Classification: Uncertain significance for Colorectal cancer, susceptibility to, 12. Last evaluated: 2019-05-28. Review status: criteria provided, single submitter. Criteria: Mendelics Assertion Criteria 2017. Collection method: clinical testing. Allele origin: unknown.

Literature cited by the submitters: PubMed 33821390 (cited by Labcorp Genetics (formerly Invitae), Labcorp); PubMed 29320758 (cited by Women's Health and Genetics/Laboratory Corporation of America, LabCorp).

NM_006231.4(POLE):c.1735C>T (p.Arg579Cys)

Gene: POLE (DNA polymerase epsilon, catalytic subunit; minus strand). Cytogenetic location: 12q24.33.
Variant type: single nucleotide variant.
Coding change: c.1735C>T on transcript NM_006231.4 (MANE Select); coding-DNA position 1735, C replaced by T.
Protein change: p.Arg579Cys; replaces arginine 579 with cysteine.
Molecular consequence: missense variant.
Genome position (GRCh38, 1-based): chr12:132,672,274, G>A on the plus strand (C>T on the coding strand, the complement: POLE is on the minus strand). VCF-style: chr12-132672274-G-A. GRCh37 (hg19) VCF-style: chr12-133248860-G-A.
Other names: short protein forms R579C.
Identifiers: ClinVar variation 405728 (VCV000405728.30), dbSNP rs116260568, ClinGen allele CA6893847.